The following is an entry in ClinVar:

NM_001354930.2(RIPK1):c.1646T>C (p.Ile549Thr)

Gene: RIPK1 (receptor interacting serine/threonine kinase 1; plus strand). Cytogenetic location: 6p25.2.
Variant type: single nucleotide variant.
Coding change: c.1646T>C on transcript NM_001354930.2 (MANE Select); coding-DNA position 1646, T replaced by C.
Protein change: p.Ile549Thr; replaces isoleucine 549 with threonine.
Molecular consequence: missense variant.
Genome position (GRCh38, 1-based): chr6:3,110,872, T>C. VCF-style: chr6-3110872-T-C. GRCh37 (hg19) VCF-style: chr6-3111106-T-C.
Other names: c.1157T>C, p.Ile386Thr (NM_001317061.3, NM_001354932.2, NM_001354933.2 and 1 more transcripts); c.1508T>C, p.Ile503Thr (NM_001354931.2); c.1646T>C, p.Ile549Thr (NM_003804.6); short protein forms I386T, I503T, I549T.
Identifiers: ClinVar variation 3620261 (VCV003620261.2).
Genomic context (GRCh38, chr6:3,110,872, plus strand): 5'-TAAAATATACCATATACAATAGTACTGGCATTCAGATTGGAGCCTACAATTATATGGAGA[T>C]TGGTGGGACGAGTTCATCACTACTAGACAGCACAAATACGAACTTCAAAGAAGAGCCAGC-3'
Protein context (NP_001341859.1, residues 539-559): IQIGAYNYME[Ile549Thr]GGTSSSLLDS

ClinVar aggregate classification (germline): Uncertain significance (1 of 4 stars; one submission).

gnomAD v4.1: 6 of 1,607,396 alleles (0.00037%); highest among the groups gnomAD compares: Middle Eastern, 0.033%; no homozygotes.

Submission:

Labcorp Genetics (formerly Invitae), Labcorp
Classification: Uncertain significance. Last evaluated: 2024-10-03. Review status: criteria provided, single submitter. Criteria: Invitae Variant Classification Sherloc (09022015). Collection method: clinical testing. Allele origin: germline.
Comment: This sequence change replaces isoleucine, which is neutral and non-polar, with threonine, which is neutral and polar, at codon 549 of the RIPK1 protein (p.Ile549Thr). This variant is not present in population databases (gnomAD no frequency). This variant has not been reported in the literature in individuals affected with RIPK1-related conditions. An algorithm developed to predict the effect of missense changes on protein structure and function (PolyPhen-2) suggests that this variant is likely to be tolerated. In summary, the available evidence is currently insufficient to determine the role of this variant in disease. Therefore, it has been classified as a Variant of Uncertain Significance.